The following is an entry in ClinVar:

ClinVar aggregate classification (germline): Likely benign. Review status: criteria provided, multiple submitters, no conflicts (2 of 4 stars). 2 submissions from 2 submitters: Likely benign (2). Last evaluated 2026-05-13.

Conditions:
Neurofibromatosis, type 1 (NF1). Also called: VON RECKLINGHAUSEN DISEASE; Neurofibromatosis, type I; NEUROFIBROMATOSIS, TYPE I, SOMATIC; Peripheral type neurofibromatosis. Identifiers: Orphanet 636, MedGen C0027831, MONDO:0018975, OMIM 162200. Disease mechanism: loss of function.

Allele frequency attached by ClinVar (database versions not stated): gnomAD exomes below 0.00001.
gnomAD v4.1: 1 of 1,571,976 alleles (0.000064%); highest among the groups gnomAD compares: African/African-American, 0.0013%; no homozygotes.

Submissions (2):

Myriad Genetics, Inc.
Classification: Likely benign for Neurofibromatosis, type 1. Last evaluated: 2026-05-13. Review status: criteria provided, single submitter. Criteria: Myriad Autosomal Dominant, Autosomal Recessive and X-Linked Classification Criteria (2023). Collection method: clinical testing. Allele origin: unknown.
Comment: This variant is considered likely benign. This variant is intronic and is not expected to impact mRNA splicing.

Labcorp Genetics (formerly Invitae), Labcorp
Classification: Likely benign for Neurofibromatosis, type 1. Last evaluated: 2025-12-08. Review status: criteria provided, single submitter. Criteria: Invitae Variant Classification Sherloc (09022015). Collection method: clinical testing. Allele origin: germline.

NM_001042492.3(NF1):c.6428-20G>A

Gene: NF1 (neurofibromin 1; plus strand). Cytogenetic location: 17q11.2.
Variant type: single nucleotide variant.
Coding change: c.6428-20G>A on transcript NM_001042492.3 (MANE Select); 20 bases into the intron before coding-DNA position 6428, G replaced by A.
Molecular consequence: intron variant.
Genome position (GRCh38, 1-based): chr17:31,337,348, G>A. VCF-style: chr17-31337348-G-A. GRCh37 (hg19) VCF-style: chr17-29664366-G-A.
Other names: c.6365-20G>A (NM_000267.4).
Identifiers: ClinVar variation 1575368 (VCV001575368.9), dbSNP rs897880244, ClinGen allele CA289386696.